The following is an entry in ClinVar:

NM_006379.5(SEMA3C):c.1387C>G (p.Pro463Ala)

Gene: SEMA3C (semaphorin 3C; minus strand). Cytogenetic location: 7q21.11.
Variant type: single nucleotide variant.
Coding change: c.1387C>G on transcript NM_006379.5 (MANE Select); coding-DNA position 1387, C replaced by G.
Protein change: p.Pro463Ala; replaces proline 463 with alanine.
Molecular consequence: missense variant.
Genome position (GRCh38, 1-based): chr7:80,765,211, G>C on the plus strand (C>G on the coding strand, the complement: SEMA3C is on the minus strand). VCF-style: chr7-80765211-G-C. GRCh37 (hg19) VCF-style: chr7-80394527-G-C.
Other names: c.1441C>G, p.Pro481Ala (NM_001350120.2); c.1213C>G, p.Pro405Ala (NM_001350121.2); c.1441C>G (NM_001350120.1); short protein forms P481A, P405A, P463A.
Identifiers: ClinVar variation 3159708 (VCV003159708.2), dbSNP rs917670432, ClinGen allele CA161060577.

ClinVar aggregate classification (germline): Uncertain significance. Review status: criteria provided, multiple submitters, no conflicts (2 of 4 stars). 2 submissions from 2 submitters: Uncertain significance (2). Last evaluated 2025-05-27.

Conditions:
SEMA3C-related disorder. Also called: SEMA3C-related condition.

gnomAD v4.1: 3 of 1,613,452 alleles (0.00019%); no homozygotes.

Submissions (2):

PreventionGenetics, part of Exact Sciences
Classification: Uncertain significance for SEMA3C-related condition. Last evaluated: 2025-05-27. Review status: criteria provided, single submitter. Criteria: ACMG Guidelines, 2015. Collection method: clinical testing. Allele origin: germline.
Comment: The SEMA3C c.1441C>G variant is predicted to result in the amino acid substitution p.Pro481Ala. To our knowledge, this variant has not been reported in the literature or in a large population database (gnomAD), indicating this variant is rare. At this time, the clinical significance of this variant is uncertain due to the absence of conclusive functional and genetic evidence.

Ambry Genetics
Classification: Uncertain significance. Last evaluated: 2023-12-08. Review status: criteria provided, single submitter. Criteria: Ambry Variant Classification Scheme 2023. Collection method: clinical testing. Allele origin: germline.